The following is an entry in ClinVar:

ClinVar aggregate classification (germline): Uncertain significance. Review status: criteria provided, multiple submitters, no conflicts (2 of 4 stars). 2 submissions from 2 submitters: Uncertain significance (2). Last evaluated 2026-05-28.

Conditions:
CEP250-related disorder. Also called: CEP250-related condition.

Allele frequency attached by ClinVar (database versions not stated): ExAC 0.00003; gnomAD exomes 0.00005 and 0.00015; gnomAD 0.00007; TOPMed 0.00008; ESP Exome Variant Server 0.00023.

Submissions (2):

PreventionGenetics, part of Exact Sciences
Classification: Uncertain significance for CEP250-related condition. Last evaluated: 2026-05-28. Review status: criteria provided, single submitter. Criteria: ACMG Guidelines, 2015. Collection method: clinical testing. Allele origin: germline.
Comment: The CEP250 c.247C>T variant is predicted to result in the amino acid substitution p.Pro83Ser. To our knowledge, this variant has not been reported in the literature. This variant is reported in 0.010% of alleles in individuals of European (Non-Finnish) descent in gnomAD. At this time, the clinical significance of this variant is uncertain due to the absence of conclusive functional and genetic evidence.

Labcorp Genetics (formerly Invitae), Labcorp
Classification: Uncertain significance. Last evaluated: 2025-01-13. Review status: criteria provided, single submitter. Criteria: Invitae Variant Classification Sherloc (09022015). Collection method: clinical testing. Allele origin: germline.
Comment: This sequence change replaces proline, which is neutral and non-polar, with serine, which is neutral and polar, at codon 83 of the CEP250 protein (p.Pro83Ser). This variant is present in population databases (rs202086265, gnomAD 0.01%). This variant has not been reported in the literature in individuals affected with CEP250-related conditions. ClinVar contains an entry for this variant (Variation ID: 954912). An algorithm developed to predict the effect of missense changes on protein structure and function (PolyPhen-2) suggests that this variant is likely to be disruptive. In summary, the available evidence is currently insufficient to determine the role of this variant in disease. Therefore, it has been classified as a Variant of Uncertain Significance.

NM_007186.6(CEP250):c.247C>T (p.Pro83Ser)

Gene: CEP250 (centrosomal protein 250; plus strand). Cytogenetic location: 20q11.22.
Variant type: single nucleotide variant.
Coding change: c.247C>T on transcript NM_007186.6 (MANE Select); coding-DNA position 247, C replaced by T.
Protein change: p.Pro83Ser; replaces proline 83 with serine.
Molecular consequence: missense variant. On other transcripts: 5 prime UTR variant (1).
Genome position (GRCh38, 1-based): chr20:35,465,746, C>T. VCF-style: chr20-35465746-C-T. GRCh37 (hg19) VCF-style: chr20-34053571-C-T.
Other names: c.-1653C>T (NM_001318219.1); short protein forms P83S.
Identifiers: ClinVar variation 954912 (VCV000954912.7), dbSNP rs202086265, ClinGen allele CA9832570.
Genomic context (GRCh38, chr20:35,465,746, plus strand): 5'-CTGGTCTGAGTGATGTTCTCTTTGGAGGTAAGTAAGGCTTGTCTCTGTCTGGCGCAGGGA[C>T]CAATCCCCCAGAGGTGGGAAAATGTGGAGGAGCCAAACCTGGATGAGCTGCTGGTCCGAT-3'
Protein context (NP_009117.2, residues 73-93): LEKRLEATGG[Pro83Ser]IPQRWENVEE